The following is an entry in ClinVar:

NM_003924.4(PHOX2B):c.931_935del (p.Ser311fs)

Gene: PHOX2B (paired like homeobox 2B; minus strand). Cytogenetic location: 4p13.
Variant type: Deletion.
Coding change: c.931_935del on transcript NM_003924.4 (MANE Select); coding-DNA positions 931 to 935, 5 bases deleted (AGCAG; older notation c.931_935delAGCAG).
Protein change: p.Ser311fs; shifts the reading frame from serine 311.
Molecular consequence: frameshift variant.
Genome position (GRCh38, 1-based): chr4:41,745,817-41,745,821, CTGCT deleted on the plus strand (AGCAG on the coding strand, the reverse complement: PHOX2B is on the minus strand); deleting any 5 consecutive bases within chr4:41,745,817-41,745,823 gives the same sequence; the c. name uses the placement nearest the transcript's 3' end. VCF-style (leftmost placement, unchanged base first): chr4-41745816-ACTGCT-A. GRCh37 (hg19) VCF-style: chr4-41747833-ACTGCT-A.
Other names: c.931_935del5 (NM_003924.3); short protein forms S311fs.
Identifiers: ClinVar variation 1766546 (VCV001766546.2), dbSNP rs2552096752, ClinGen allele CA2580070989.

ClinVar aggregate classification (germline): Pathogenic (1 of 4 stars; one submission).

Conditions:
Hereditary cancer-predisposing syndrome. Also called: Hereditary Cancer Syndrome; Hereditary neoplastic syndrome; Neoplastic Syndromes, Hereditary; Tumor predisposition. Identifiers: Orphanet 140162, MedGen C0027672, MeSH D009386, MONDO:0015356.

Submission:

Ambry Genetics
Classification: Pathogenic for Hereditary cancer-predisposing syndrome. Last evaluated: 2016-10-25. Review status: criteria provided, single submitter. Criteria: Ambry Variant Classification Scheme 2023. Collection method: clinical testing. Allele origin: germline.
Comment: The c.931_935del5 pathogenic mutation, located in coding exon 3 of the PHOX2B gene, results from a deletion of 5 nucleotides at nucleotide positions 931 to 935, causing a translational frameshift with a predicted alternate stop codon. This alteration was detected in two unrelated infants diagnosed with congenital central hypoventilation syndrome (CCHS), neuroblastoma and Hirschprung disease (Trochet D et al, Am J Hum Genet. 2005 Mar;76(3):421-6; internal data). Furthermore, a co-transfection study with reporter constructs demonstrated a significantly reduced transactivation activity of the mutant protein (Trochet D et al, Hum Mol Genet. 2005 Dec 1;14(23):3697-708). Frameshifts are typically deleterious in nature, however, this frameshift occurs at the 3' terminus of PHOX2B, is not expected to trigger nonsense-mediated mRNA decay, and results in the elongation of the protein by 46 amino acids. The exact functional impact of these inserted amino acids is unknown at this time. Based on the supporting clinical and functional evidence, this alteration is interpreted as a disease-causing mutation.